The following is an entry in ClinVar:

NM_000821.7(GGCX):c.1889-7C>T

Gene: GGCX (gamma-glutamyl carboxylase; minus strand). Cytogenetic location: 2p11.2.
Variant type: single nucleotide variant.
Coding change: c.1889-7C>T on transcript NM_000821.7 (MANE Select); 7 bases into the intron before coding-DNA position 1889, C replaced by T.
Molecular consequence: intron variant.
Genome position (GRCh38, 1-based): chr2:85,550,757, G>A on the plus strand (C>T on the coding strand, the complement: GGCX is on the minus strand). VCF-style: chr2-85550757-G-A. GRCh37 (hg19) VCF-style: chr2-85777880-G-A.
Other names: c.1718-7C>T (NM_001142269.4).
Identifiers: ClinVar variation 3357967 (VCV003357967.2).

ClinVar aggregate classification (germline): Likely benign. Review status: criteria provided, single submitter (1 of 4 stars). 2 submissions from 2 submitters: Likely benign (1). 1 of the submissions does not count toward it. Last evaluated 2025-09-15.

Conditions:
GGCX-related disorder. Also called: GGCX-related condition; GGCX - Related Disorders.

Submissions (2):

Labcorp Genetics (formerly Invitae), Labcorp
Classification: Likely benign. Last evaluated: 2025-09-15. Review status: criteria provided, single submitter. Criteria: Invitae Variant Classification Sherloc (09022015). Collection method: clinical testing. Allele origin: germline.

PreventionGenetics, part of Exact Sciences
Classification: Likely benign for GGCX-related condition. Last evaluated: 2024-09-17. Review status: no assertion criteria provided. Collection method: clinical testing. Allele origin: germline. Not counted in ClinVar's aggregate classification.
Comment: This variant is classified as likely benign based on ACMG/AMP sequence variant interpretation guidelines (Richards et al. 2015 PMID: 25741868, with internal and published modifications).